The following is an entry in ClinVar:

NM_000492.4(CFTR):c.1733T>C (p.Leu578Pro)

Gene: CFTR (CF transmembrane conductance regulator; plus strand). Cytogenetic location: 7q31.2.
Variant type: single nucleotide variant.
Coding change: c.1733T>C on transcript NM_000492.4 (MANE Select); coding-DNA position 1733, T replaced by C.
Protein change: p.Leu578Pro; replaces leucine 578 with proline.
Molecular consequence: missense variant.
Genome position (GRCh38, 1-based): chr7:117,590,406, T>C. VCF-style: chr7-117590406-T-C. GRCh37 (hg19) VCF-style: chr7-117230460-T-C.
Other names: short protein forms L578P.
Identifiers: ClinVar variation 2098461 (VCV002098461.4), dbSNP rs1030725225, ClinGen allele CA164946422.
Genomic context (GRCh38, chr7:117,590,406, plus strand): 5'-TTTTTAGAGCAGTATACAAAGATGCTGATTTGTATTTATTAGACTCTCCTTTTGGATACC[T>C]AGATGTTTTAACAGAAAAAGAAATATTTGAAAGGTATGTTCTTTGAATACCTTACTTATA-3'
Protein context (NP_000483.3, residues 568-588): LYLLDSPFGY[Leu578Pro]DVLTEKEIFE

ClinVar aggregate classification (germline): Likely pathogenic (1 of 4 stars; one submission).

Conditions:
Cystic fibrosis (CF). Also called: MUCOVISCIDOSIS. Identifiers: Orphanet 586, MedGen C0010674, MONDO:0009061, OMIM 219700. Disease mechanism: loss of function.

Allele frequency attached by ClinVar (database versions not stated): gnomAD exomes below 0.00001.
gnomAD v4.1: 1 of 1,603,212 alleles (0.000062%); highest among the groups gnomAD compares: Middle Eastern, 0.017%; no homozygotes.

Submission:

Labcorp Genetics (formerly Invitae), Labcorp
Classification: Likely pathogenic for Cystic fibrosis. Last evaluated: 2022-04-08. Review status: criteria provided, single submitter. Criteria: Invitae Variant Classification Sherloc (09022015). Collection method: clinical testing. Allele origin: germline.
Comment: Algorithms developed to predict the effect of missense changes on protein structure and function (SIFT, PolyPhen-2, Align-GVGD) all suggest that this variant is likely to be disruptive. In summary, the currently available evidence indicates that the variant is pathogenic, but additional data are needed to prove that conclusively. Therefore, this variant has been classified as Likely Pathogenic. This missense change has been observed in individual(s) with cystic fibrosis (PMID: 32761997). In at least one individual the data is consistent with being in trans (on the opposite chromosome) from a pathogenic variant. This sequence change replaces leucine, which is neutral and non-polar, with proline, which is neutral and non-polar, at codon 578 of the CFTR protein (p.Leu578Pro). This variant is not present in population databases (gnomAD no frequency).

Literature cited by the submitters: PubMed 32761997.